The following is an entry in ClinVar:

NM_006904.7(PRKDC):c.12139G>A (p.Ala4047Thr)

Gene: PRKDC (protein kinase, DNA-activated, catalytic subunit; minus strand). Cytogenetic location: 8q11.21.
Variant type: single nucleotide variant.
Coding change: c.12139G>A on transcript NM_006904.7 (MANE Select); coding-DNA position 12139, G replaced by A.
Protein change: p.Ala4047Thr; replaces alanine 4047 with threonine.
Molecular consequence: missense variant.
Genome position (GRCh38, 1-based): chr8:47,776,887, C>T on the plus strand (G>A on the coding strand, the complement: PRKDC is on the minus strand). VCF-style: chr8-47776887-C-T. GRCh37 (hg19) VCF-style: chr8-48689448-C-T.
Other names: c.12046G>A, p.Ala4016Thr (NM_001081640.2); short protein forms A4047T, A4016T.
Identifiers: ClinVar variation 1415581 (VCV001415581.7), dbSNP rs763433546, ClinGen allele CA4738897.
Genomic context (GRCh38, chr8:47,776,887, plus strand): 5'-ACATATAAAAATCTTACCAAGTAATGACTGCTGGATTGGCACCTGCTAACTTTCTCTTAG[C>T]GTAACATATTTTCTGTCGGGGGTACCAATTTTTTTCAGCAACATTTATTTCTTGAATCCA-3'
Protein context (NP_008835.5, residues 4037-4057): NWYPRQKICY[Ala4047Thr]KRKLAGANPA

ClinVar aggregate classification (germline): Uncertain significance. Review status: criteria provided, multiple submitters, no conflicts (2 of 4 stars). 2 submissions from 2 submitters: Uncertain significance (2). Last evaluated 2026-08-01.

Conditions:
Severe combined immunodeficiency due to DNA-PKcs deficiency. Also called: Immunodeficiency 26 with or without neurologic abnormalities; IMMUNODEFICIENCY 26 WITH NEUROLOGIC ABNORMALITIES. Identifiers: Orphanet 317425, MedGen C4014833, MONDO:0014423, OMIM 615966.

Allele frequency attached by ClinVar (database versions not stated): gnomAD 0.00001; ExAC 0.00002; gnomAD exomes 0.00002.
gnomAD v4.1: 13 of 1,613,750 alleles (0.00081%); highest among the groups gnomAD compares: East Asian, 0.0089%; no homozygotes.

Submissions (2):

CeGaT Center for Human Genetics Tuebingen
Classification: Uncertain significance. Last evaluated: 2026-08-01. Review status: criteria provided, single submitter. Criteria: CeGaT Center For Human Genetics Tuebingen Variant Classification Criteria Version 2. Collection method: clinical testing. Allele origin: germline. Affected: yes. Observed: 1 variant allele.
Comment: PRKDC: PM2, BP4

Labcorp Genetics (formerly Invitae), Labcorp
Classification: Uncertain significance for Severe combined immunodeficiency due to DNA-PKcs deficiency. Last evaluated: 2024-06-03. Review status: criteria provided, single submitter. Criteria: Invitae Variant Classification Sherloc (09022015). Collection method: clinical testing. Allele origin: germline.
Comment: This sequence change replaces alanine, which is neutral and non-polar, with threonine, which is neutral and polar, at codon 4047 of the PRKDC protein (p.Ala4047Thr). This variant is present in population databases (rs763433546, gnomAD 0.006%). This variant has not been reported in the literature in individuals affected with PRKDC-related conditions. ClinVar contains an entry for this variant (Variation ID: 1415581). Advanced modeling of protein sequence and biophysical properties (such as structural, functional, and spatial information, amino acid conservation, physicochemical variation, residue mobility, and thermodynamic stability) performed at Invitae indicates that this missense variant is expected to disrupt PRKDC protein function with a positive predictive value of 80%. In summary, the available evidence is currently insufficient to determine the role of this variant in disease. Therefore, it has been classified as a Variant of Uncertain Significance.